The following is an entry in ClinVar:

NM_006206.6(PDGFRA):c.-12-7T>C

Gene: PDGFRA (platelet derived growth factor receptor alpha; plus strand). Cytogenetic location: 4q12.
Variant type: single nucleotide variant.
Coding change: c.-12-7T>C on transcript NM_006206.6 (MANE Select); 7 bases into the intron before 12 bases upstream of the start codon, T replaced by C.
Molecular consequence: intron variant.
Genome position (GRCh38, 1-based): chr4:54,258,750, T>C. VCF-style: chr4-54258750-T-C. GRCh37 (hg19) VCF-style: chr4-55124917-T-C.
Other names: c.64-7T>C (NM_001347828.2); c.-12-7T>C (NM_001347827.2, NM_001347829.2); c.28-7T>C (NM_001347830.2).
Identifiers: ClinVar variation 4875821 (VCV004875821.1).

ClinVar aggregate classification (germline): Likely benign (1 of 4 stars; one submission).

Conditions:
Polyps, multiple and recurrent inflammatory fibroid, gastrointestinal. Identifiers: MedGen C5193005, MONDO:0008285, OMIM 175510.

gnomAD v4.1: 1 of 1,602,918 alleles (0.000062%); highest among the groups gnomAD compares: Non-Finnish European, 0.000085%; no homozygotes.

Submission:

Myriad Genetics, Inc.
Classification: Likely benign for Polyps, multiple and recurrent inflammatory fibroid, gastrointestinal. Last evaluated: 2026-06-12. Review status: criteria provided, single submitter. Criteria: Myriad Autosomal Dominant, Autosomal Recessive and X-Linked Classification Criteria (2023). Collection method: clinical testing. Allele origin: unknown.
Comment: This variant is considered likely benign. This variant is intronic and is not expected to impact mRNA splicing.